The following is an entry in ClinVar:

ClinVar aggregate classification (germline): Pathogenic (1 of 4 stars; one submission).

Conditions:
Pallister-Hall syndrome (PHS). Also called: GLI3-Related Pallister-Hall Syndrome; HYPOTHALAMIC HAMARTOBLASTOMA, HYPOPITUITARISM, IMPERFORATE ANUS, AND POSTAXIAL POLYDACTYLY. Identifiers: Orphanet 672, MedGen C0265220, MONDO:0007804, OMIM 146510.
Greig cephalopolysyndactyly syndrome (GCPS). Also called: Greig syndrome; GLI3-Related Greig Cephalopolysyndactyly Syndrome; POLYSYNDACTYLY WITH PECULIAR SKULL SHAPE. Identifiers: Orphanet 380, MedGen C0265306, MONDO:0008287, OMIM 175700.

Submission:

Labcorp Genetics (formerly Invitae), Labcorp
Classification: Pathogenic for Pallister-Hall syndrome; Greig cephalopolysyndactyly syndrome. Last evaluated: 2018-08-03. Review status: criteria provided, single submitter. Criteria: Invitae Variant Classification Sherloc (09022015). Collection method: clinical testing. Allele origin: germline.
Comment: This sequence change creates a premature translational stop signal (p.Arg593Profs*36) in the GLI3 gene. It is expected to result in an absent or disrupted protein product. This variant is not present in population databases (ExAC no frequency). This variant has been observed in an individual affected with Grieg cephalopolysyndactyly (Invitae). Loss-of-function variants in GLI3 are known to be pathogenic (PMID: 10441570, 15739154). For these reasons, this variant has been classified as Pathogenic.

NM_000168.6(GLI3):c.1778del (p.Arg593fs)

Gene: GLI3 (GLI family zinc finger 3; minus strand). Cytogenetic location: 7p14.1.
Variant type: Deletion.
Coding change: c.1778del on transcript NM_000168.6 (MANE Select); coding-DNA position 1778, one base deleted (G; older notation c.1778delG).
Protein change: p.Arg593fs; shifts the reading frame from arginine 593.
Molecular consequence: frameshift variant.
Genome position (GRCh38, 1-based): chr7:41,977,592, C deleted on the plus strand (G on the coding strand, the reverse complement: GLI3 is on the minus strand). VCF-style (leftmost placement, unchanged base first): chr7-41977591-GC-G. GRCh37 (hg19) VCF-style: chr7-42017190-GC-G.
Other names: short protein forms R593fs.
Identifiers: ClinVar variation 642780 (VCV000642780.1), dbSNP rs1583747773, ClinGen allele CA915944913.